The following is an entry in ClinVar:

ClinVar aggregate classification (germline): Uncertain significance. Review status: criteria provided, multiple submitters, no conflicts (2 of 4 stars). 2 submissions from 2 submitters: Uncertain significance (2). Last evaluated 2025-12-10.

Conditions:
Hereditary cancer-predisposing syndrome. Also called: Tumor predisposition; Neoplastic Syndromes, Hereditary; Hereditary Cancer Syndrome; Hereditary neoplastic syndrome. Identifiers: Orphanet 140162, MedGen C0027672, MeSH D009386, MONDO:0015356.
EGFR-related lung cancer (EGFR). Identifiers: MedGen CN130014.

Submissions (2):

Ambry Genetics
Classification: Uncertain significance for Hereditary cancer-predisposing syndrome. Last evaluated: 2025-12-10. Review status: criteria provided, single submitter. Criteria: Ambry Variant Classification Scheme 2023. Collection method: clinical testing. Allele origin: germline.
Comment: The p.D1152G variant (also known as c.3455A>G), located in coding exon 28 of the EGFR gene, results from an A to G substitution at nucleotide position 3455. The aspartic acid at codon 1152 is replaced by glycine, an amino acid with similar properties. This amino acid position is not well conserved in available vertebrate species. In addition, this alteration is predicted to be tolerated by in silico analysis. Based on the available evidence, the clinical significance of this variant remains unclear.

Labcorp Genetics (formerly Invitae), Labcorp
Classification: Uncertain significance for EGFR-related lung cancer. Last evaluated: 2023-02-07. Review status: criteria provided, single submitter. Criteria: Invitae Variant Classification Sherloc (09022015). Collection method: clinical testing. Allele origin: germline.
Comment: This sequence change replaces aspartic acid, which is acidic and polar, with glycine, which is neutral and non-polar, at codon 1152 of the EGFR protein (p.Asp1152Gly). This variant is not present in population databases (gnomAD no frequency). This variant has not been reported in the literature in individuals affected with EGFR-related conditions. Algorithms developed to predict the effect of missense changes on protein structure and function (SIFT, PolyPhen-2, Align-GVGD) all suggest that this variant is likely to be tolerated. In summary, the available evidence is currently insufficient to determine the role of this variant in disease. Therefore, it has been classified as a Variant of Uncertain Significance.

NM_005228.5(EGFR):c.3455A>G (p.Asp1152Gly)

Gene: EGFR (epidermal growth factor receptor; plus strand). Cytogenetic location: 7p11.2.
Variant type: single nucleotide variant.
Coding change: c.3455A>G on transcript NM_005228.5 (MANE Select); coding-DNA position 3455, A replaced by G.
Protein change: p.Asp1152Gly; replaces aspartic acid 1152 with glycine.
Molecular consequence: missense variant.
Genome position (GRCh38, 1-based): chr7:55,205,439, A>G. VCF-style: chr7-55205439-A-G. GRCh37 (hg19) VCF-style: chr7-55273132-A-G.
Other names: c.3320A>G, p.Asp1107Gly (NM_001346899.2); c.3296A>G, p.Asp1099Gly (NM_001346900.2); c.2654A>G, p.Asp885Gly (NM_001346941.2); short protein forms D1107G, D1099G, D1152G, D885G.
Identifiers: ClinVar variation 2835111 (VCV002835111.4), dbSNP rs2128975402, ClinGen allele CA367584654.